The following is an entry in ClinVar:

ClinVar aggregate classification (germline): Uncertain significance (1 of 4 stars; one submission).

Submission:

Labcorp Genetics (formerly Invitae), Labcorp
Classification: Uncertain significance. Last evaluated: 2023-07-17. Review status: criteria provided, single submitter. Criteria: Invitae Variant Classification Sherloc (09022015). Collection method: clinical testing. Allele origin: germline.
Comment: This variant has not been reported in the literature in individuals affected with HPS4-related conditions. ClinVar contains an entry for this variant (Variation ID: 1375531). An algorithm developed to predict the effect of missense changes on protein structure and function (PolyPhen-2) suggests that this variant is likely to be disruptive. In summary, the available evidence is currently insufficient to determine the role of this variant in disease. Therefore, it has been classified as a Variant of Uncertain Significance. This variant is not present in population databases (gnomAD no frequency). This sequence change replaces isoleucine, which is neutral and non-polar, with phenylalanine, which is neutral and non-polar, at codon 156 of the HPS4 protein (p.Ile156Phe).

NM_022081.6(HPS4):c.466A>T (p.Ile156Phe)

Gene: HPS4 (HPS4 biogenesis of lysosomal organelles complex 3 subunit 2; minus strand). Cytogenetic location: 22q12.1.
Variant type: single nucleotide variant.
Coding change: c.466A>T on transcript NM_022081.6 (MANE Select); coding-DNA position 466, A replaced by T.
Protein change: p.Ile156Phe; replaces isoleucine 156 with phenylalanine.
Molecular consequence: missense variant. On other transcripts: non-coding transcript variant (8).
Genome position (GRCh38, 1-based): chr22:26,472,337, T>A on the plus strand (A>T on the coding strand, the complement: HPS4 is on the minus strand). VCF-style: chr22-26472337-T-A. GRCh37 (hg19) VCF-style: chr22-26868303-T-A.
Other names: c.466A>T, p.Ile156Phe (NM_001349896.1, NM_001349898.2, NM_001349899.2 and 6 more transcripts); c.451A>T, p.Ile151Phe (NM_152841.2); short protein forms I151F, I156F.
Identifiers: ClinVar variation 1375531 (VCV001375531.4), dbSNP rs2146802411, ClinGen allele CA411030894.
Genomic context (GRCh38, chr22:26,472,337, plus strand): 5'-TGAATAAGGAGGATGAAAATGTTACTTTAGTTTGGTCCAAGTTCCAGAGGGAATTGAAAA[T>A]CTTATGCAGATCACTGGTGTTTTTCAGAATTTGCTCGATGAAGGTGTCCCACTCCGTGCT-3'
Protein context (NP_071364.4, residues 146-166): ILKNTSDLHK[Ile156Phe]FNSLWNLDQT